The following is an entry in ClinVar:

ClinVar aggregate classification (germline): Conflicting classifications of pathogenicity. Review status: criteria provided, conflicting classifications (1 of 4 stars). 4 submissions from 4 submitters: Uncertain significance (2); Likely benign (1). 1 of the submissions does not count toward it. Last evaluated 2026-01-03.

Conditions:
Neuromuscular disease caused by qualitative or quantitative defects of dysferlin. Also called: Dysferlinopathy; Qualitative or quantitative defects of dysferlin. Identifiers: Orphanet 207073, MedGen C2931687, MONDO:0016145.
Autosomal recessive limb-girdle muscular dystrophy type 2B (LGMDR2). Also called: MUSCULAR DYSTROPHY, LIMB-GIRDLE, AUTOSOMAL RECESSIVE 2; MUSCULAR DYSTROPHY, LIMB-GIRDLE, TYPE 3; Limb-girdle muscular dystrophy, type 2B; Limb-Girdle Muscular Dystrophy Type 2B (LGMD2B). Identifiers: Orphanet 268, MedGen C1850889, MONDO:0009676, OMIM 253601.

Allele frequency attached by ClinVar (database versions not stated): gnomAD 0.00007; TOPMed 0.00007; ESP Exome Variant Server 0.00023.
gnomAD v4.1: 118 of 1,613,988 alleles (0.0073%); highest among the groups gnomAD compares: South Asian, 0.0099%; no homozygotes.

Submissions (4):

Labcorp Genetics (formerly Invitae), Labcorp
Classification: Likely benign for Neuromuscular disease caused by qualitative or quantitative defects of dysferlin. Last evaluated: 2026-01-03. Review status: criteria provided, single submitter. Criteria: Invitae Variant Classification Sherloc (09022015). Collection method: clinical testing. Allele origin: germline.

Illumina Laboratory Services, Illumina
Classification: Uncertain significance for Qualitative or quantitative defects of dysferlin. Last evaluated: 2018-01-12. Review status: criteria provided, single submitter. Criteria: ICSL Variant Classification Criteria 13 December 2019. Collection method: clinical testing. Allele origin: germline.

GeneDx
Classification: Uncertain significance. Last evaluated: 2017-07-06. Review status: criteria provided, single submitter. Criteria: GeneDx Variant Classification (06012015). Collection method: clinical testing. Allele origin: germline. Affected: yes.
Comment: A variant of uncertain significance has been identified in the DYSF gene. The R1151C variant has not been published as a pathogenic variant, nor has it been reported as a benign variant to our knowledge. The R1151C variant is observed in 2/16512 (0.01%) alleles from individuals of South Asian background (Lek et al., 2016; 1000 Genomes Consortium et al., 2015; Exome Variant Server). The R1151C variant is a non-conservative amino acid substitution, which is likely to impact secondary protein structure as these residues differ in polarity, charge, size and/or other properties. This substitution occurs at a position that is conserved across species and in silico analysis predicts this variant is probably damaging to the protein structure/function. However, missense variants in nearby residues have not been reported in Human Gene Mutation Database in association with DYSF-related disorders (Stenson et al., 2014). Therefore, based on the currently available information, it is unclear whether this variant is a pathogenic variant or a rare benign variant.

Natera, Inc.
Classification: Uncertain significance for Limb-girdle muscular dystrophy type 2B. Last evaluated: 2019-10-28. Review status: no assertion criteria provided. Collection method: clinical testing. Allele origin: germline. Not counted in ClinVar's aggregate classification.

NM_001130987.2(DYSF):c.3505C>T (p.Arg1169Cys)

Gene: DYSF (dysferlin; plus strand). Cytogenetic location: 2p13.2.
Variant type: single nucleotide variant.
Coding change: c.3505C>T on transcript NM_001130987.2 (MANE Select); coding-DNA position 3505, C replaced by T.
Protein change: p.Arg1169Cys; replaces arginine 1169 with cysteine.
Molecular consequence: missense variant.
Genome position (GRCh38, 1-based): chr2:71,590,219, C>T. VCF-style: chr2-71590219-C-T. GRCh37 (hg19) VCF-style: chr2-71817349-C-T.
Other names: c.3454C>T, p.Arg1152Cys (NM_001130455.2, NM_001130983.2); c.3409C>T, p.Arg1137Cys (NM_001130976.2, NM_001130977.2); c.3451C>T, p.Arg1151Cys (NM_001130978.2, NM_003494.4); c.3544C>T, p.Arg1182Cys (NM_001130979.2); c.3502C>T, p.Arg1168Cys (NM_001130980.2, NM_001130981.2); c.3547C>T, p.Arg1183Cys (NM_001130982.2); c.3412C>T, p.Arg1138Cys (NM_001130984.2, NM_001130986.2); c.3505C>T, p.Arg1169Cys (NM_001130985.2); short protein forms R1151C, R1169C, R1137C, R1138C, R1152C, R1183C, R1168C, R1182C.
Identifiers: ClinVar variation 450303 (VCV000450303.13), dbSNP rs200719174, ClinGen allele CA1706610.